The following is an entry in ClinVar:

NM_002800.5(PSMB9):c.517C>T (p.Arg173Cys)

Gene: PSMB9 (proteasome 20S subunit beta 9; plus strand). Cytogenetic location: 6p21.32.
Variant type: single nucleotide variant.
Coding change: c.517C>T on transcript NM_002800.5 (MANE Select); coding-DNA position 517, C replaced by T.
Protein change: p.Arg173Cys; replaces arginine 173 with cysteine.
Molecular consequence: missense variant.
Genome position (GRCh38, 1-based): chr6:32,858,490, C>T. VCF-style: chr6-32858490-C-T. GRCh37 (hg19) VCF-style: chr6-32826267-C-T.
Other names: NC_000006.11:g.32826267C>T; p.Arg173Cys; c.517C>T (NM_002800.4); short protein forms R173C.
Identifiers: ClinVar variation 1711625 (VCV001711625.34), dbSNP rs17213861, ClinGen allele CA3747297.
Genomic context (GRCh38, chr6:32,858,490, plus strand): 5'-TTTATCTATGGTTATGTGGATGCAGCATATAAGCCAGGCATGTCTCCCGAGGAGTGCAGG[C>T]GCTTCACCACAGACGGTAACCAGCCAAGTGGAAGGGTACCTGGGGAGGGCTTTGAAACAT-3'
Protein context (NP_002791.1, residues 163-183): KPGMSPEECR[Arg173Cys]FTTDAIALAM

ClinVar aggregate classification (germline): Likely benign. Review status: criteria provided, multiple submitters, no conflicts (2 of 4 stars). 5 submissions from 5 submitters: Likely benign (4). 1 of the submissions does not count toward it. Last evaluated 2026-08-01.

Conditions:
PSMB9-related disorder. Also called: PSMB9-related condition.

Allele frequency attached by ClinVar (database versions not stated): 1000 Genomes Project 30x 0.00078; 1000 Genomes Project 0.00080; TOPMed 0.00259; gnomAD 0.00299; ExAC 0.00355; ESP Exome Variant Server 0.00450.
gnomAD v4.1: 7,437 of 1,612,920 alleles (0.46%); highest among the groups gnomAD compares: Non-Finnish European, 0.57%; 23 homozygotes.

Submissions (35):

CeGaT Center for Human Genetics Tuebingen
Classification: Likely benign. Last evaluated: 2026-08-01. Review status: criteria provided, single submitter. Criteria: CeGaT Center For Human Genetics Tuebingen Variant Classification Criteria Version 2. Collection method: clinical testing. Allele origin: germline. Affected: yes. Observed: 5 variant alleles.
Comment: PSMB9: BP4, BS2

Women's Health and Genetics/Laboratory Corporation of America, LabCorp
Classification: Likely benign. Last evaluated: 2025-07-16. Review status: criteria provided, single submitter. Criteria: LabCorp Variant Classification Summary - May 2015. Collection method: clinical testing. Allele origin: germline.

Mayo Clinic Laboratories, Mayo Clinic
Classification: Likely benign. Last evaluated: 2025-03-24. Review status: criteria provided, single submitter. Criteria: ACMG Guidelines, 2015. Collection method: clinical testing. Allele origin: germline. Observed: 6 variant alleles.
Comment: BS1, BS2

Blueprint Genetics
Classification: Likely benign. Last evaluated: 2024-11-11. Review status: criteria provided, single submitter. Criteria: ACMG Guidelines, 2015. Collection method: clinical testing. Allele origin: germline.

PreventionGenetics, part of Exact Sciences
Classification: Likely benign for PSMB9-related condition. Last evaluated: 2019-06-25. Review status: no assertion criteria provided. Collection method: clinical testing. Allele origin: germline. Not counted in ClinVar's aggregate classification.
Comment: This variant is classified as likely benign based on ACMG/AMP sequence variant interpretation guidelines (Richards et al. 2015 PMID: 25741868, with internal and published modifications).

Dr. Peter K. Rogan Lab, Western University
No classification provided (evidence only). Condition: Clear cell carcinoma of kidney. Review status: no classification provided. Collection method: in vitro. Allele origin: not applicable. Functional consequence: retained intron. Not counted in ClinVar's aggregate classification.

Dr. Peter K. Rogan Lab, Western University
No classification provided (evidence only). Condition: Clear cell carcinoma of kidney. Review status: no classification provided. Collection method: in vitro. Allele origin: not applicable. Functional consequence: retained intron. Not counted in ClinVar's aggregate classification.

Dr. Peter K. Rogan Lab, Western University
No classification provided (evidence only). Condition: Clear cell carcinoma of kidney. Review status: no classification provided. Collection method: in vitro. Allele origin: not applicable. Functional consequence: cryptic splice site, retained intron. Not counted in ClinVar's aggregate classification.

Dr. Peter K. Rogan Lab, Western University
No classification provided (evidence only). Condition: Lung cancer. Review status: no classification provided. Collection method: in vitro. Allele origin: not applicable. Functional consequence: retained intron. Not counted in ClinVar's aggregate classification.

Dr. Peter K. Rogan Lab, Western University
No classification provided (evidence only). Condition: Lung cancer. Review status: no classification provided. Collection method: in vitro. Allele origin: not applicable. Functional consequence: retained intron. Not counted in ClinVar's aggregate classification.

Dr. Peter K. Rogan Lab, Western University
No classification provided (evidence only). Condition: Lung cancer. Review status: no classification provided. Collection method: in vitro. Allele origin: not applicable. Functional consequence: retained intron. Not counted in ClinVar's aggregate classification.

Dr. Peter K. Rogan Lab, Western University
No classification provided (evidence only). Condition: Melanoma. Review status: no classification provided. Collection method: in vitro. Allele origin: not applicable. Functional consequence: retained intron. Not counted in ClinVar's aggregate classification.

Dr. Peter K. Rogan Lab, Western University
No classification provided (evidence only). Condition: Melanoma. Review status: no classification provided. Collection method: in vitro. Allele origin: not applicable. Functional consequence: cryptic splice site, retained intron. Not counted in ClinVar's aggregate classification.

Dr. Peter K. Rogan Lab, Western University
No classification provided (evidence only). Condition: Acute myeloid leukemia. Review status: no classification provided. Collection method: in vitro. Allele origin: not applicable. Functional consequence: retained intron. Not counted in ClinVar's aggregate classification.

Dr. Peter K. Rogan Lab, Western University
No classification provided (evidence only). Condition: Acute myeloid leukemia. Review status: no classification provided. Collection method: in vitro. Allele origin: not applicable. Functional consequence: retained intron. Not counted in ClinVar's aggregate classification.

Dr. Peter K. Rogan Lab, Western University
No classification provided (evidence only). Condition: Acute myeloid leukemia. Review status: no classification provided. Collection method: in vitro. Allele origin: not applicable. Functional consequence: retained intron. Not counted in ClinVar's aggregate classification.

Dr. Peter K. Rogan Lab, Western University
No classification provided (evidence only). Condition: Colon adenocarcinoma. Review status: no classification provided. Collection method: in vitro. Allele origin: not applicable. Functional consequence: retained intron. Not counted in ClinVar's aggregate classification.

Dr. Peter K. Rogan Lab, Western University
No classification provided (evidence only). Condition: Colorectal cancer. Review status: no classification provided. Collection method: in vitro. Allele origin: not applicable. Functional consequence: retained intron. Not counted in ClinVar's aggregate classification.

Dr. Peter K. Rogan Lab, Western University
No classification provided (evidence only). Condition: Colorectal cancer. Review status: no classification provided. Collection method: in vitro. Allele origin: not applicable. Functional consequence: retained intron. Not counted in ClinVar's aggregate classification.

Dr. Peter K. Rogan Lab, Western University
No classification provided (evidence only). Condition: Uterine corpus endometrial carcinoma. Review status: no classification provided. Collection method: in vitro. Allele origin: not applicable. Functional consequence: retained intron. Not counted in ClinVar's aggregate classification.

Dr. Peter K. Rogan Lab, Western University
No classification provided (evidence only). Condition: Cervical cancer. Review status: no classification provided. Collection method: in vitro. Allele origin: not applicable. Functional consequence: retained intron. Not counted in ClinVar's aggregate classification.

Dr. Peter K. Rogan Lab, Western University
No classification provided (evidence only). Condition: Cervical cancer. Review status: no classification provided. Collection method: in vitro. Allele origin: not applicable. Functional consequence: cryptic splice site, retained intron. Not counted in ClinVar's aggregate classification.

Dr. Peter K. Rogan Lab, Western University
No classification provided (evidence only). Condition: Sarcoma. Review status: no classification provided. Collection method: in vitro. Allele origin: not applicable. Functional consequence: retained intron. Not counted in ClinVar's aggregate classification.

Dr. Peter K. Rogan Lab, Western University
No classification provided (evidence only). Condition: Hepatocellular carcinoma. Review status: no classification provided. Collection method: in vitro. Allele origin: not applicable. Functional consequence: retained intron. Not counted in ClinVar's aggregate classification.

Dr. Peter K. Rogan Lab, Western University
No classification provided (evidence only). Condition: Cholangiocarcinoma. Review status: no classification provided. Collection method: in vitro. Allele origin: not applicable. Functional consequence: retained intron. Not counted in ClinVar's aggregate classification.

Dr. Peter K. Rogan Lab, Western University
No classification provided (evidence only). Condition: Ovarian serous cystadenocarcinoma. Review status: no classification provided. Collection method: in vitro. Allele origin: not applicable. Functional consequence: retained intron. Not counted in ClinVar's aggregate classification.

Dr. Peter K. Rogan Lab, Western University
No classification provided (evidence only). Condition: Ovarian serous cystadenocarcinoma. Review status: no classification provided. Collection method: in vitro. Allele origin: not applicable. Functional consequence: retained intron. Not counted in ClinVar's aggregate classification.

Dr. Peter K. Rogan Lab, Western University
No classification provided (evidence only). Condition: Gastric cancer. Review status: no classification provided. Collection method: in vitro. Allele origin: not applicable. Functional consequence: retained intron. Not counted in ClinVar's aggregate classification.

Dr. Peter K. Rogan Lab, Western University
No classification provided (evidence only). Condition: Uveal melanoma. Review status: no classification provided. Collection method: in vitro. Allele origin: not applicable. Functional consequence: retained intron. Not counted in ClinVar's aggregate classification.

Dr. Peter K. Rogan Lab, Western University
No classification provided (evidence only). Condition: Malignant tumor of esophagus. Review status: no classification provided. Collection method: in vitro. Allele origin: not applicable. Functional consequence: cryptic splice site, retained intron. Not counted in ClinVar's aggregate classification.

Dr. Peter K. Rogan Lab, Western University
No classification provided (evidence only). Condition: Malignant tumor of esophagus. Review status: no classification provided. Collection method: in vitro. Allele origin: not applicable. Functional consequence: cryptic splice site, retained intron. Not counted in ClinVar's aggregate classification.

Dr. Peter K. Rogan Lab, Western University
No classification provided (evidence only). Condition: Malignant tumor of esophagus. Review status: no classification provided. Collection method: in vitro. Allele origin: not applicable. Functional consequence: cryptic splice site, retained intron. Not counted in ClinVar's aggregate classification.

Dr. Peter K. Rogan Lab, Western University
No classification provided (evidence only). Condition: Familial pancreatic carcinoma. Review status: no classification provided. Collection method: in vitro. Allele origin: not applicable. Functional consequence: cryptic splice site, retained intron. Not counted in ClinVar's aggregate classification.

Dr. Peter K. Rogan Lab, Western University
No classification provided (evidence only). Condition: Familial pancreatic carcinoma. Review status: no classification provided. Collection method: in vitro. Allele origin: not applicable. Functional consequence: cryptic splice site, retained intron. Not counted in ClinVar's aggregate classification.

Dr. Peter K. Rogan Lab, Western University
No classification provided (evidence only). Condition: Lymphoma. Review status: no classification provided. Collection method: in vitro. Allele origin: not applicable. Functional consequence: cryptic splice site, retained intron. Not counted in ClinVar's aggregate classification.

Literature cited by the submitters: PubMed 26122175 (cited by Mayo Clinic Laboratories, Mayo Clinic).